The following is an entry in ClinVar:

ClinVar aggregate classification (germline): Uncertain significance. Review status: criteria provided, multiple submitters, no conflicts (2 of 4 stars). 2 submissions from 2 submitters: Uncertain significance (2). Last evaluated 2023-04-16.

Conditions:
Congenital myasthenic syndrome 5. Identifiers: Orphanet 590, MedGen C1864233, MONDO:0011281, OMIM 603034.

Allele frequency attached by ClinVar (database versions not stated): gnomAD 0.00002; ExAC 0.00003; TOPMed 0.00006.
gnomAD v4.1: 26 of 1,614,074 alleles (0.0016%); highest among the groups gnomAD compares: Middle Eastern, 0.016%; no homozygotes.

Submissions (2):

Labcorp Genetics (formerly Invitae), Labcorp
Classification: Uncertain significance for Congenital myasthenic syndrome 5. Last evaluated: 2023-04-16. Review status: criteria provided, single submitter. Criteria: Invitae Variant Classification Sherloc (09022015). Collection method: clinical testing. Allele origin: germline.
Comment: In summary, the available evidence is currently insufficient to determine the role of this variant in disease. Therefore, it has been classified as a Variant of Uncertain Significance. Advanced modeling of protein sequence and biophysical properties (such as structural, functional, and spatial information, amino acid conservation, physicochemical variation, residue mobility, and thermodynamic stability) performed at Invitae indicates that this missense variant is not expected to disrupt COLQ protein function. ClinVar contains an entry for this variant (Variation ID: 2162978). This variant has not been reported in the literature in individuals affected with COLQ-related conditions. This variant is present in population databases (rs773686063, gnomAD 0.006%). This sequence change replaces isoleucine, which is neutral and non-polar, with valine, which is neutral and non-polar, at codon 275 of the COLQ protein (p.Ile275Val).

Breakthrough Genomics
Classification: Uncertain significance. Review status: criteria provided, single submitter. Criteria: ACMG Guidelines, 2015. Collection method: not provided. Allele origin: germline. Inheritance: Autosomal recessive inheritance. Affected: yes.

NM_005677.4(COLQ):c.823A>G (p.Ile275Val)

Gene: COLQ (collagen like tail subunit of asymmetric acetylcholinesterase; minus strand). Cytogenetic location: 3p25.1.
Variant type: single nucleotide variant.
Coding change: c.823A>G on transcript NM_005677.4 (MANE Select); coding-DNA position 823, A replaced by G.
Protein change: p.Ile275Val; replaces isoleucine 275 with valine.
Molecular consequence: missense variant.
Genome position (GRCh38, 1-based): chr3:15,458,317, T>C on the plus strand (A>G on the coding strand, the complement: COLQ is on the minus strand). VCF-style: chr3-15458317-T-C. GRCh37 (hg19) VCF-style: chr3-15499824-T-C.
Other names: c.793A>G, p.Ile265Val (NM_080538.2); c.721A>G, p.Ile241Val (NM_080539.4); short protein forms I275V, I241V, I265V.
Identifiers: ClinVar variation 2162978 (VCV002162978.3), dbSNP rs773686063, ClinGen allele CA2275947.